The following is an entry in ClinVar:

NM_000535.7(PMS2):c.2440A>C (p.Lys814Gln)

Gene: PMS2 (PMS1 homolog 2, mismatch repair system component; minus strand). Cytogenetic location: 7p22.1.
Variant type: single nucleotide variant.
Coding change: c.2440A>C on transcript NM_000535.7 (MANE Select); coding-DNA position 2440, A replaced by C.
Protein change: p.Lys814Gln; replaces lysine 814 with glutamine.
Molecular consequence: missense variant. On other transcripts: non-coding transcript variant (1).
Genome position (GRCh38, 1-based): chr7:5,977,593, T>G on the plus strand (A>C on the coding strand, the complement: PMS2 is on the minus strand). VCF-style: chr7-5977593-T-G. GRCh37 (hg19) VCF-style: chr7-6017224-T-G.
Other names: c.2035A>C, p.Lys679Gln (NM_001322003.2, NM_001322004.2, NM_001322005.2 and 11 more transcripts); c.2284A>C, p.Lys762Gln (NM_001322006.2); c.2122A>C, p.Lys708Gln (NM_001322007.2, NM_001322008.2, NM_001406883.1); c.2068A>C, p.Lys690Gln (NM_001322009.2, NM_001406887.1, NM_001406888.1); c.1879A>C, p.Lys627Gln (NM_001322010.2, NM_001406906.1, NM_001406907.1); c.1507A>C, p.Lys503Gln (NM_001322011.2, NM_001322012.2); c.1867A>C, p.Lys623Gln (NM_001322013.2, NM_001406908.1, NM_001406909.1); c.2473A>C, p.Lys825Gln (NM_001322014.2); and 20 more; short protein forms K719Q, K722Q, K762Q, K766Q, K778Q, K822Q, K575Q, K623Q.
Identifiers: ClinVar variation 3680718 (VCV003680718.2).

ClinVar aggregate classification (germline): Uncertain significance (1 of 4 stars; one submission).

Conditions:
Hereditary nonpolyposis colorectal neoplasms. Identifiers: MedGen C0009405, MeSH D003123.

Submission:

Labcorp Genetics (formerly Invitae), Labcorp
Classification: Uncertain significance for Hereditary nonpolyposis colorectal neoplasms. Last evaluated: 2024-06-09. Review status: criteria provided, single submitter. Criteria: Invitae Variant Classification Sherloc (09022015). Collection method: clinical testing. Allele origin: germline.
Comment: This sequence change replaces lysine, which is basic and polar, with glutamine, which is neutral and polar, at codon 814 of the PMS2 protein (p.Lys814Gln). The frequency data for this variant in the population databases (gnomAD) is considered unreliable due to the presence of homologous sequence, such as pseudogenes or paralogs, in the genome. This variant has not been reported in the literature in individuals affected with PMS2-related conditions. Advanced modeling of protein sequence and biophysical properties (such as structural, functional, and spatial information, amino acid conservation, physicochemical variation, residue mobility, and thermodynamic stability) performed at Invitae indicates that this missense variant is expected to disrupt PMS2 protein function with a positive predictive value of 80%. In summary, the available evidence is currently insufficient to determine the role of this variant in disease. Therefore, it has been classified as a Variant of Uncertain Significance.